The following is an entry in ClinVar:

ClinVar aggregate classification (germline): Uncertain significance (1 of 4 stars; one submission).

Conditions:
Mitochondrial complex II deficiency, nuclear type 1. Also called: SUCCINATE CoQ REDUCTASE DEFICIENCY. Identifiers: Orphanet 3208, MedGen C5700310, MONDO:0100294, OMIM 252011.
Pheochromocytoma/paraganglioma syndrome 5. Also called: Paragangliomas 5; SDHA-Related Hereditary Paraganglioma-Pheochromocytoma Syndrome. Identifiers: Orphanet 29072, MedGen C3279992, MONDO:0013602, OMIM 614165.

Submission:

Labcorp Genetics (formerly Invitae), Labcorp
Classification: Uncertain significance for Pheochromocytoma/paraganglioma syndrome 5; Mitochondrial complex II deficiency, nuclear type 1. Last evaluated: 2023-07-17. Review status: criteria provided, single submitter. Criteria: Invitae Variant Classification Sherloc (09022015). Collection method: clinical testing. Allele origin: germline.
Comment: In summary, the available evidence is currently insufficient to determine the role of this variant in disease. Therefore, it has been classified as a Variant of Uncertain Significance. Advanced modeling of protein sequence and biophysical properties (such as structural, functional, and spatial information, amino acid conservation, physicochemical variation, residue mobility, and thermodynamic stability) performed at Invitae indicates that this missense variant is not expected to disrupt SDHA protein function. ClinVar contains an entry for this variant (Variation ID: 1346859). This variant has not been reported in the literature in individuals affected with SDHA-related conditions. This variant is not present in population databases (gnomAD no frequency). This sequence change replaces cysteine, which is neutral and slightly polar, with serine, which is neutral and polar, at codon 238 of the SDHA protein (p.Cys238Ser).

NM_004168.4(SDHA):c.713G>C (p.Cys238Ser)

Gene: SDHA (succinate dehydrogenase complex flavoprotein subunit A; plus strand). Cytogenetic location: 5p15.33.
Variant type: single nucleotide variant.
Coding change: c.713G>C on transcript NM_004168.4 (MANE Select); coding-DNA position 713, G replaced by C.
Protein change: p.Cys238Ser; replaces cysteine 238 with serine.
Molecular consequence: missense variant.
Genome position (GRCh38, 1-based): chr5:228,276, G>C. VCF-style: chr5-228276-G-C. GRCh37 (hg19) VCF-style: chr5-228391-G-C.
Other names: c.569G>C, p.Cys190Ser (NM_001294332.2); c.713G>C, p.Cys238Ser (NM_001330758.2); short protein forms C190S, C238S.
Identifiers: ClinVar variation 1346859 (VCV001346859.8), dbSNP rs1168458733, ClinGen allele CA359011015.